The following is an entry in ClinVar:

ClinVar aggregate classification (germline): Uncertain significance (1 of 4 stars; one submission).

Submission:

GeneDx
Classification: Uncertain significance. Last evaluated: 2023-12-31. Review status: criteria provided, single submitter. Criteria: GeneDx Variant Classification Process June 2021. Collection method: clinical testing. Allele origin: germline. Affected: yes.
Comment: Not observed at significant frequency in large population cohorts (gnomAD); In silico analysis supports a deleterious effect on splicing; Has not been previously published as pathogenic or benign to our knowledge

NM_004859.4(CLTC):c.2145G>A (p.Leu715=)

Gene: CLTC (clathrin heavy chain; plus strand). Cytogenetic location: 17q23.1.
Variant type: single nucleotide variant.
Coding change: c.2145G>A on transcript NM_004859.4 (MANE Select); coding-DNA position 2145, G replaced by A.
Protein change: p.Leu715=; no amino-acid change (leucine 715 retained).
Molecular consequence: synonymous variant.
Genome position (GRCh38, 1-based): chr17:59,668,793, G>A. VCF-style: chr17-59668793-G-A. GRCh37 (hg19) VCF-style: chr17-57746154-G-A.
Other names: c.2157G>A, p.Leu719= (NM_001288653.2).
Identifiers: ClinVar variation 3370220 (VCV003370220.1).